The following is an entry in ClinVar:

ClinVar aggregate classification (germline): Benign. Review status: criteria provided, single submitter (1 of 4 stars). 2 submissions from 2 submitters: Benign (1). 1 of the submissions does not count toward it. Last evaluated 2024-12-28.

Conditions:
TALDO1-related disorder. Also called: TALDO1-related condition.

Allele frequency attached by ClinVar (database versions not stated): gnomAD 0.00007; 1000 Genomes Project 30x 0.00016; 1000 Genomes Project 0.00020; ExAC 0.00047.
gnomAD v4.1: 230 of 1,614,084 alleles (0.014%); highest among the groups gnomAD compares: South Asian, 0.23%; 3 homozygotes.

Submissions (2):

Labcorp Genetics (formerly Invitae), Labcorp
Classification: Benign. Last evaluated: 2024-12-28. Review status: criteria provided, single submitter. Criteria: Invitae Variant Classification Sherloc (09022015). Collection method: clinical testing. Allele origin: germline.

PreventionGenetics, part of Exact Sciences
Classification: Likely benign for TALDO1-related condition. Last evaluated: 2023-12-08. Review status: no assertion criteria provided. Collection method: clinical testing. Allele origin: germline. Not counted in ClinVar's aggregate classification.
Comment: This variant is classified as likely benign based on ACMG/AMP sequence variant interpretation guidelines (Richards et al. 2015 PMID: 25741868, with internal and published modifications).

NM_006755.2(TALDO1):c.168C>T (p.Pro56=)

Gene: TALDO1 (transaldolase 1; plus strand). Cytogenetic location: 11p15.5.
Variant type: single nucleotide variant.
Coding change: c.168C>T on transcript NM_006755.2 (MANE Select); coding-DNA position 168, C replaced by T.
Protein change: p.Pro56=; no amino-acid change (proline 56 retained).
Molecular consequence: synonymous variant.
Genome position (GRCh38, 1-based): chr11:755,949, C>T. VCF-style: chr11-755949-C-T. GRCh37 (hg19) VCF-style: chr11-755949-C-T.
Other names: c.168C>T (NM_006755.1).
Identifiers: ClinVar variation 2178988 (VCV002178988.6), dbSNP rs2234021, ClinGen allele CA5788028.